The following is an entry in ClinVar:

NM_014140.4(SMARCAL1):c.2266G>A (p.Asp756Asn)

Gene: SMARCAL1 (SNF2 related chromatin remodeling annealing helicase 1; plus strand). Cytogenetic location: 2q35.
Variant type: single nucleotide variant.
Coding change: c.2266G>A on transcript NM_014140.4 (MANE Select); coding-DNA position 2266, G replaced by A.
Protein change: p.Asp756Asn; replaces aspartic acid 756 with asparagine.
Molecular consequence: missense variant.
Genome position (GRCh38, 1-based): chr2:216,475,290, G>A. VCF-style: chr2-216475290-G-A. GRCh37 (hg19) VCF-style: chr2-217340013-G-A.
Other names: c.2266G>A (NM_014140.3); c.2266G>A, p.Asp756Asn (NM_001127207.2); short protein forms D756N.
Identifiers: ClinVar variation 1413941 (VCV001413941.6), dbSNP rs545627649, ClinGen allele CA2098171.

ClinVar aggregate classification (germline): Uncertain significance. Review status: criteria provided, multiple submitters, no conflicts (2 of 4 stars). 2 submissions from 2 submitters: Uncertain significance (2). Last evaluated 2025-04-04.

Conditions:
Inborn genetic diseases. Identifiers: MedGen C0950123, MeSH D030342.
Schimke immuno-osseous dysplasia (SIOD). Also called: Schimke Immunoosseous Dysplasia. Identifiers: Orphanet 1830, MedGen C0877024, MONDO:0009458, OMIM 242900.

Allele frequency attached by ClinVar (database versions not stated): gnomAD 0.00001; gnomAD exomes 0.00001 and 0.00002; TOPMed 0.00002; ExAC 0.00003; 1000 Genomes Project 30x 0.00016; 1000 Genomes Project 0.00020.
gnomAD v4.1: 17 of 1,614,142 alleles (0.0011%); highest among the groups gnomAD compares: South Asian, 0.0055%; no homozygotes.

Submissions (2):

Ambry Genetics
Classification: Uncertain significance for Inborn genetic diseases. Last evaluated: 2025-04-04. Review status: criteria provided, single submitter. Criteria: Ambry Variant Classification Scheme 2023. Collection method: clinical testing. Allele origin: germline.

Labcorp Genetics (formerly Invitae), Labcorp
Classification: Uncertain significance for Schimke immuno-osseous dysplasia. Last evaluated: 2022-08-11. Review status: criteria provided, single submitter. Criteria: Invitae Variant Classification Sherloc (09022015). Collection method: clinical testing. Allele origin: germline.
Comment: This sequence change replaces aspartic acid, which is acidic and polar, with asparagine, which is neutral and polar, at codon 756 of the SMARCAL1 protein (p.Asp756Asn). This variant is present in population databases (rs545627649, gnomAD 0.007%). This variant has not been reported in the literature in individuals affected with SMARCAL1-related conditions. ClinVar contains an entry for this variant (Variation ID: 1413941). Algorithms developed to predict the effect of missense changes on protein structure and function are either unavailable or do not agree on the potential impact of this missense change (SIFT: "Deleterious"; PolyPhen-2: "Probably Damaging"; Align-GVGD: "Class C0"). In summary, the available evidence is currently insufficient to determine the role of this variant in disease. Therefore, it has been classified as a Variant of Uncertain Significance.